The following is an entry in ClinVar:

ClinVar aggregate classification (germline): Benign (1 of 4 stars; one submission).

Allele frequency attached by ClinVar (database versions not stated): TOPMed 0.08514; gnomAD 0.08559 and 0.08732; 1000 Genomes Project 0.11322; 1000 Genomes Project 30x 0.11384.
gnomAD v4.1: 13,189 of 152,296 alleles (8.7%); highest among the groups gnomAD compares: African/African-American, 15%; 672 homozygotes.

Submission:

GeneDx
Classification: Benign. Last evaluated: 2018-06-14. Review status: criteria provided, single submitter. Criteria: GeneDx Variant Classification (06012015). Collection method: clinical testing. Allele origin: germline. Affected: yes.
Comment: This variant is considered likely benign or benign based on one or more of the following criteria: it is a conservative change, it occurs at a poorly conserved position in the protein, it is predicted to be benign by multiple in silico algorithms, and/or has population frequency not consistent with disease.

NM_144573.4(NEXN):c.1252-301T>C

Gene: NEXN (nexilin F-actin binding protein; plus strand). Cytogenetic location: 1p31.1.
Variant type: single nucleotide variant.
Coding change: c.1252-301T>C on transcript NM_144573.4 (MANE Select); 301 bases into the intron before coding-DNA position 1252, T replaced by C.
Molecular consequence: intron variant.
Genome position (GRCh38, 1-based): chr1:77,935,522, T>C. VCF-style: chr1-77935522-T-C. GRCh37 (hg19) VCF-style: chr1-78401207-T-C.
Other names: c.1060-301T>C (NM_001172309.2).
Identifiers: ClinVar variation 683679 (VCV000683679.1), dbSNP rs17101082, ClinGen allele CA24686093.